The following is an entry in ClinVar:

NM_000038.6(APC):c.423-17_423-16insTA

Gene: APC (APC regulator of Wnt signaling pathway; plus strand). Cytogenetic location: 5q22.2.
Variant type: Insertion.
Coding change: c.423-17_423-16insTA on transcript NM_000038.6 (MANE Select); 17 bases into the intron before coding-DNA position 423 through 16 bases into the intron before coding-DNA position 423, TA inserted.
Molecular consequence: intron variant.
Genome position: GRCh38 VCF-style: chr5-112775612-T-TTA. GRCh37 (hg19) VCF-style: chr5-112111309-T-TTA.
Other names: c.-613-17_-613-16insTA (NM_001407470.1, NM_001407472.1, NM_001354906.2 and 1 more transcripts); c.423-17_423-16insTA (NM_001407447.1, NM_001354895.2, NM_001407456.1 and 16 more transcripts); c.453-17_453-16insTA (NM_001407446.1, NM_001354897.2, NM_001354902.2 and 1 more transcripts); c.246-17_246-16insTA (NM_001407453.1, NM_001354900.2, NM_001354901.2 and 1 more transcripts); c.348-17_348-16insTA (NM_001407451.1, NM_001354898.2, NM_001354904.2).
Identifiers: ClinVar variation 3044825 (VCV003044825.3), dbSNP rs1757539479, ClinGen allele CA561893857.
Genomic context (GRCh38, chr5:112,775,612, plus strand): 5'-ACTGATGTAAGTATTGCTCTTCTGCAGTCTTTATTAGCATTGTTTAAACGTACCTTTTTT[T>TTA]AAAAAAAAAAAAATAGGTCATTGCTTCTTGCTGATCTTGACAAAGAAGAAAAGGAAAAAG-3'

ClinVar aggregate classification (germline): Likely benign. Review status: criteria provided, single submitter (1 of 4 stars). 2 submissions from 2 submitters: Likely benign (1). 1 of the submissions does not count toward it. Last evaluated 2024-06-19.

Conditions:
APC-related disorder. Also called: APC-related condition.

Allele frequency attached by ClinVar (database versions not stated): gnomAD 0.00002.

Submissions (2):

Blueprint Genetics
Classification: Likely benign. Last evaluated: 2024-06-19. Review status: criteria provided, single submitter. Criteria: ACMG Guidelines, 2015. Collection method: clinical testing. Allele origin: germline.

PreventionGenetics, part of Exact Sciences
Classification: Likely benign for APC-related condition. Last evaluated: 2019-04-16. Review status: no assertion criteria provided. Collection method: clinical testing. Allele origin: germline. Not counted in ClinVar's aggregate classification.
Comment: This variant is classified as likely benign based on ACMG/AMP sequence variant interpretation guidelines (Richards et al. 2015 PMID: 25741868, with internal and published modifications).